The following is an entry in ClinVar:

NM_021961.6(TEAD1):c.575-3C>T

Gene: TEAD1 (TEA domain transcription factor 1; plus strand). Cytogenetic location: 11p15.3.
Variant type: single nucleotide variant.
Coding change: c.575-3C>T on transcript NM_021961.6 (MANE Select); 3 bases into the intron before coding-DNA position 575, C replaced by T.
Molecular consequence: intron variant.
Genome position (GRCh38, 1-based): chr11:12,882,998, C>T. VCF-style: chr11-12882998-C-T. GRCh37 (hg19) VCF-style: chr11-12904545-C-T.
Identifiers: ClinVar variation 3715652 (VCV003715652.3).

ClinVar aggregate classification (germline): Uncertain significance. Review status: criteria provided, multiple submitters, no conflicts (2 of 4 stars). 2 submissions from 2 submitters: Uncertain significance (2). Last evaluated 2024-10-23.

gnomAD v4.1: 11 of 1,614,038 alleles (0.00068%); highest among the groups gnomAD compares: Non-Finnish European, 0.00076%; no homozygotes.

Submissions (2):

Labcorp Genetics (formerly Invitae), Labcorp
Classification: Uncertain significance. Last evaluated: 2024-10-23. Review status: criteria provided, single submitter. Criteria: Invitae Variant Classification Sherloc (09022015). Collection method: clinical testing. Allele origin: germline.
Comment: This sequence change falls in intron 8 of the TEAD1 gene. It does not directly change the encoded amino acid sequence of the TEAD1 protein. It affects a nucleotide within the consensus splice site. This variant is present in population databases (rs760483567, gnomAD 0.003%). This variant has not been reported in the literature in individuals affected with TEAD1-related conditions. Variants that disrupt the consensus splice site are a relatively common cause of aberrant splicing (PMID: 17576681, 9536098). Algorithms developed to predict the effect of sequence changes on RNA splicing suggest that this variant is not likely to affect RNA splicing. In summary, the available evidence is currently insufficient to determine the role of this variant in disease. Therefore, it has been classified as a Variant of Uncertain Significance.

Blueprint Genetics
Classification: Uncertain significance. Last evaluated: 2020-09-06. Review status: criteria provided, single submitter. Criteria: ACMG Guidelines, 2015. Collection method: clinical testing. Allele origin: germline.

Literature cited by the submitters: PubMed 17576681 (cited by Labcorp Genetics (formerly Invitae), Labcorp); PubMed 9536098 (cited by Labcorp Genetics (formerly Invitae), Labcorp).